The following is an entry in ClinVar:

ClinVar aggregate classification (germline): Uncertain significance (1 of 4 stars; one submission).

Conditions:
Hereditary antithrombin deficiency (AT3D). Also called: Antithrombin III deficiency; Thrombophilia due to antithrombin III deficiency; Antithrombin deficiency; Reduced antithrombin III activity. Identifiers: Orphanet 82, MedGen C0272375, MONDO:0013144, OMIM 613118, HP:0001976.

gnomAD v4.1: 25 of 1,610,776 alleles (0.0016%); highest among the groups gnomAD compares: African/African-American, 0.023%; no homozygotes.

Submission:

Labcorp Genetics (formerly Invitae), Labcorp
Classification: Uncertain significance for Hereditary antithrombin deficiency. Last evaluated: 2025-06-27. Review status: criteria provided, single submitter. Criteria: Invitae Variant Classification Sherloc (09022015). Collection method: clinical testing. Allele origin: germline.
Comment: This sequence change affects codon 406 of the SERPINC1 mRNA. It is a 'silent' change, meaning that it does not change the encoded amino acid sequence of the SERPINC1 protein. This variant also falls at the last nucleotide of exon 6, which is part of the consensus splice site for this exon. This variant is present in population databases (rs368902256, gnomAD 0.02%). This variant has not been reported in the literature in individuals affected with SERPINC1-related conditions. Variants that disrupt the consensus splice site are a relatively common cause of aberrant splicing (PMID: 17576681, 9536098). Algorithms developed to predict the effect of sequence changes on RNA splicing suggest that this variant is not likely to affect RNA splicing. In summary, the available evidence is currently insufficient to determine the role of this variant in disease. Therefore, it has been classified as a Variant of Uncertain Significance.

Literature cited by the submitters: PubMed 17576681; PubMed 9536098.

NM_000488.4(SERPINC1):c.1218G>A (p.Glu406=)

Gene: SERPINC1 (serpin family C member 1; minus strand). Cytogenetic location: 1q25.1.
Variant type: single nucleotide variant.
Coding change: c.1218G>A on transcript NM_000488.4 (MANE Select); coding-DNA position 1218, G replaced by A.
Protein change: p.Glu406=; no amino-acid change (glutamic acid 406 retained).
Molecular consequence: synonymous variant.
Genome position (GRCh38, 1-based): chr1:173,907,450, C>T on the plus strand (G>A on the coding strand, the complement: SERPINC1 is on the minus strand). VCF-style: chr1-173907450-C-T. GRCh37 (hg19) VCF-style: chr1-173876588-C-T.
Other names: c.1074G>A, p.Glu358= (NM_001365052.2); c.1341G>A, p.Glu447= (NM_001386302.1); c.1299G>A, p.Glu433= (NM_001386303.1); c.1197G>A, p.Glu399= (NM_001386304.1); c.1161G>A, p.Glu387= (NM_001386305.1); c.1002G>A, p.Glu334= (NM_001386306.1).
Identifiers: ClinVar variation 4731347 (VCV004731347.1).